The following is an entry in ClinVar:

NM_019892.6(INPP5E):c.1808C>T (p.Pro603Leu)

Gene: INPP5E (inositol polyphosphate-5-phosphatase E; minus strand). Cytogenetic location: 9q34.3.
Variant type: single nucleotide variant.
Coding change: c.1808C>T on transcript NM_019892.6 (MANE Select); coding-DNA position 1808, C replaced by T.
Protein change: p.Pro603Leu; replaces proline 603 with leucine.
Molecular consequence: missense variant.
Genome position (GRCh38, 1-based): chr9:136,429,802, G>A on the plus strand (C>T on the coding strand, the complement: INPP5E is on the minus strand). VCF-style: chr9-136429802-G-A. GRCh37 (hg19) VCF-style: chr9-139324254-G-A.
Other names: c.1805C>T, p.Pro602Leu (NM_001318502.2); short protein forms P602L, P603L.
Identifiers: ClinVar variation 1519593 (VCV001519593.6), dbSNP rs746372090, ClinGen allele CA5336639.

ClinVar aggregate classification (germline): Uncertain significance (1 of 4 stars; one submission).

Conditions:
Joubert syndrome. Also called: CEREBELLOPARENCHYMAL DISORDER IV; JOUBERT-BOLTSHAUSER SYNDROME; Familial aplasia of the vermis. Identifiers: Orphanet 475, MedGen C5979921, MONDO:0018772.

Allele frequency attached by ClinVar (database versions not stated): gnomAD exomes below 0.00001; ExAC 0.00001; gnomAD 0.00001.
gnomAD v4.1: 3 of 1,613,454 alleles (0.00019%); highest among the groups gnomAD compares: African/African-American, 0.0013%; no homozygotes.

Submission:

Labcorp Genetics (formerly Invitae), Labcorp
Classification: Uncertain significance for Joubert syndrome. Last evaluated: 2023-04-24. Review status: criteria provided, single submitter. Criteria: Invitae Variant Classification Sherloc (09022015). Collection method: clinical testing. Allele origin: germline.
Comment: In summary, the available evidence is currently insufficient to determine the role of this variant in disease. Therefore, it has been classified as a Variant of Uncertain Significance. Advanced modeling of protein sequence and biophysical properties (such as structural, functional, and spatial information, amino acid conservation, physicochemical variation, residue mobility, and thermodynamic stability) performed at Invitae indicates that this missense variant is expected to disrupt INPP5E protein function. ClinVar contains an entry for this variant (Variation ID: 1519593). This variant has not been reported in the literature in individuals affected with INPP5E-related conditions. This variant is present in population databases (rs746372090, gnomAD 0.004%). This sequence change replaces proline, which is neutral and non-polar, with leucine, which is neutral and non-polar, at codon 603 of the INPP5E protein (p.Pro603Leu).